The following is an entry in ClinVar:

ClinVar aggregate classification (germline): Pathogenic. Review status: criteria provided, multiple submitters, no conflicts (2 of 4 stars). 2 submissions from 2 submitters: Pathogenic (2). Last evaluated 2026-04-01.

Conditions:
Familial cancer of breast. Also called: BREAST CANCER, FAMILIAL; Hereditary breast cancer; hereditary breast carcinoma. Identifiers: Orphanet 227535, MedGen C0346153, MONDO:0016419, OMIM 114480. Disease mechanism: loss of function.

Submissions (2):

CeGaT Center for Human Genetics Tuebingen
Classification: Pathogenic. Last evaluated: 2026-04-01. Review status: criteria provided, single submitter. Criteria: CeGaT Center For Human Genetics Tuebingen Variant Classification Criteria Version 2. Collection method: clinical testing. Allele origin: germline. Affected: yes. Observed: 1 variant allele.
Comment: PALB2: PVS1, PM2

Labcorp Genetics (formerly Invitae), Labcorp
Classification: Pathogenic for Familial cancer of breast. Last evaluated: 2023-08-01. Review status: criteria provided, single submitter. Criteria: Invitae Variant Classification Sherloc (09022015). Collection method: clinical testing. Allele origin: germline.
Comment: Studies have shown that this premature translational stop signal is associated with altered splicing resulting in unknown protein product impact (Invitae). This variant has not been reported in the literature in individuals affected with PALB2-related conditions. This variant is not present in population databases (gnomAD no frequency). This sequence change creates a premature translational stop signal (p.Ser608Asnfs*8) in the PALB2 gene. It is expected to result in an absent or disrupted protein product. Loss-of-function variants in PALB2 are known to be pathogenic (PMID: 17200668, 17200671, 17200672, 24136930, 25099575). For these reasons, this variant has been classified as Pathogenic.

Literature cited by the submitters: PubMed 17200668 (cited by Labcorp Genetics (formerly Invitae), Labcorp); PubMed 17200671 (cited by Labcorp Genetics (formerly Invitae), Labcorp); PubMed 17200672 (cited by Labcorp Genetics (formerly Invitae), Labcorp); PubMed 24136930 (cited by Labcorp Genetics (formerly Invitae), Labcorp); PubMed 25099575 (cited by Labcorp Genetics (formerly Invitae), Labcorp).

NM_024675.4(PALB2):c.1823_1824del (p.Ser608fs)

Gene: PALB2 (partner and localizer of BRCA2; minus strand). Cytogenetic location: 16p12.2.
Variant type: Deletion.
Coding change: c.1823_1824del on transcript NM_024675.4 (MANE Select); coding-DNA positions 1823 to 1824, 2 bases deleted (GT; older notation c.1823_1824delGT).
Protein change: p.Ser608fs; shifts the reading frame from serine 608.
Molecular consequence: frameshift variant. On other transcripts: intron variant (1).
Genome position (GRCh38, 1-based): chr16:23,630,330-23,630,331, AC deleted on the plus strand (GT on the coding strand, the reverse complement: PALB2 is on the minus strand). VCF-style (leftmost placement, unchanged base first): chr16-23630329-TAC-T. GRCh37 (hg19) VCF-style: chr16-23641650-TAC-T.
Other names: c.1763_1764del, p.Ser588fs (NM_001407296.1); c.1823_1824del, p.Ser608fs (NM_001407297.1, NM_001407298.1, NM_001407299.1 and 3 more transcripts); c.938_939del, p.Ser313fs (NM_001407304.1, NM_001407305.1, NM_001407306.1 and 5 more transcripts); c.35_36del, p.Ser12fs (NM_001407312.1, NM_001407313.1); c.49-1056_49-1055del (NM_001407314.1); short protein forms S12fs, S313fs, S588fs, S608fs.
Identifiers: ClinVar variation 2812451 (VCV002812451.5), dbSNP rs2506435147, ClinGen allele CA2739266675.
Genomic context (GRCh38, chr16:23,630,329, plus strand): 5'-ACTTCACTTTTTCAAGCTTAAGAGGTCCAAAGTCTTCATCAGGTAACTGAAAGTCTGTGA[TAC>T]TGAGAAAAGACAGTAGTTGCTTTAAACTCAGCATTCCATCCCTATGAAATGGAGCCGTGA-3'